The following is an entry in ClinVar:

ClinVar aggregate classification (germline): Uncertain significance (1 of 4 stars; one submission).

Conditions:
Focal segmental glomerulosclerosis 5 (FSGS5). Identifiers: Orphanet 656, MedGen C2750475, MONDO:0013191, OMIM 613237.

Submission:

Victorian Clinical Genetics Services, Murdoch Childrens Research Institute
Classification: Uncertain significance for Focal segmental glomerulosclerosis 5. Last evaluated: 2024-09-21. Review status: criteria provided, single submitter. Criteria: ACMG Guidelines, 2015. Collection method: clinical testing. Allele origin: germline. Inheritance: Autosomal dominant inheritance. Affected: yes.
Comment: Based on the classification scheme VCGS_Germline_v1.3.4, this variant is classified as VUS-3A. Following criteria are met: 0105 - The mechanism of disease for this gene is not clearly established. However, both loss of function and gain of function have been suggested (PMID: 32451589). (I) 0107 - This gene is associated with autosomal dominant disease. (I) 0112 - The condition associated with this gene has incomplete penetrance (PMID: 32451589). (I) 0115 - Variants in this gene are known to have variable expressivity, with interfamilial and intrafamilial phenotypic variabilities described (PMID: 32451589). (I) 0200 - Variant is predicted to result in a missense amino acid change from valine to glycine. (I) 0251 - This variant is heterozygous. (I) 0301 - Variant is absent from gnomAD (both v2 and v3). (SP) 0309 - An alternative amino acid change at the same position has been observed in gnomAD (v2) (7 heterozygotes, 0 homozygotes). (I) 0501 - Missense variant consistently predicted to be damaging by multiple in silico tools or highly conserved with a major amino acid change. (SP) 0600 - Variant is located in the annotated diaphanous FH3 domain (DECIPHER). (I) 0705 - No comparable missense variants have previous evidence for pathogenicity. However, an alternative change at this position p.(Val200Met) has been classified as likely benign by two clinical laboratories in ClinVar. (I) 0807 - This variant has no previous evidence of pathogenicity. (I) 0905 - No published segregation evidence has been identified for this variant. (I) 1007 - No published functional evidence has been identified for this variant. (I) Legend: (SP) - Supporting pathogenic, (I) - Information, (SB) - Supporting benign

Literature cited by the submitters: PubMed 32451589.

NM_022489.4(INF2):c.599T>G (p.Val200Gly)

Gene: INF2 (inverted formin 2; plus strand). Cytogenetic location: 14q32.33.
Variant type: single nucleotide variant.
Coding change: c.599T>G on transcript NM_022489.4 (MANE Select); coding-DNA position 599, T replaced by G.
Protein change: p.Val200Gly; replaces valine 200 with glycine.
Molecular consequence: missense variant.
Genome position (GRCh38, 1-based): chr14:104,703,386, T>G. VCF-style: chr14-104703386-T-G. GRCh37 (hg19) VCF-style: chr14-105169723-T-G.
Other names: c.599T>G, p.Val200Gly (NM_001031714.4, NM_032714.3); short protein forms V200G.
Identifiers: ClinVar variation 3255186 (VCV003255186.2), dbSNP rs2504243336.